The following is an entry in ClinVar:

ClinVar aggregate classification (germline): Benign/Likely benign. Review status: criteria provided, multiple submitters, no conflicts (2 of 4 stars). 3 submissions from 3 submitters: Benign (1); Likely benign (2). Last evaluated 2018-07-06.

Conditions:
Cayman type cerebellar ataxia. Also called: Cayman ataxia. Identifiers: Orphanet 94122, MedGen C1832585, MONDO:0011025, OMIM 601238.

Allele frequency attached by ClinVar (database versions not stated): gnomAD 0.00073; ESP Exome Variant Server 0.00103; TOPMed 0.00103; 1000 Genomes Project 30x 0.00172; 1000 Genomes Project 0.00200.
gnomAD v4.1: 295 of 1,594,022 alleles (0.019%); highest among the groups gnomAD compares: African/African-American, 0.31%; no homozygotes.

Submissions (3):

Labcorp Genetics (formerly Invitae), Labcorp
Classification: Benign. Last evaluated: 2018-07-06. Review status: criteria provided, single submitter. Criteria: Invitae Variant Classification Sherloc (09022015). Collection method: clinical testing. Allele origin: germline.

Illumina Laboratory Services, Illumina
Classification: Likely benign for Cayman type cerebellar ataxia. Last evaluated: 2018-01-12. Review status: criteria provided, single submitter. Criteria: ICSL Variant Classification Criteria 13 December 2019. Collection method: clinical testing. Allele origin: germline.
Comment: This variant was observed in the ICSL laboratory as part of a predisposition screen in an ostensibly healthy population. It had not been previously curated by ICSL or reported in the Human Gene Mutation Database (HGMD: prior to June 1st, 2018), and was therefore a candidate for classification through an automated scoring system. Utilizing variant allele frequency, disease prevalence and penetrance estimates, and inheritance mode, an automated score was calculated to assess if this variant is too frequent to cause the disease. Based on the score and internal cut-off values, a variant classified as likely benign is not then subjected to further curation. The score for this variant resulted in a classification of likely benign for this disease.

Breakthrough Genomics
Classification: Likely benign. Review status: criteria provided, single submitter. Criteria: ACMG Guidelines, 2015. Collection method: not provided. Allele origin: germline. Inheritance: Autosomal recessive inheritance. Affected: yes.

NM_033064.5(ATCAY):c.615C>A (p.Pro205=)

Gene: ATCAY (ATCAY kinesin light chain interacting caytaxin; plus strand). Cytogenetic location: 19p13.3.
Variant type: single nucleotide variant.
Coding change: c.615C>A on transcript NM_033064.5 (MANE Select); coding-DNA position 615, C replaced by A.
Protein change: p.Pro205=; no amino-acid change (proline 205 retained).
Molecular consequence: synonymous variant.
Genome position (GRCh38, 1-based): chr19:3,908,338, C>A. VCF-style: chr19-3908338-C-A. GRCh37 (hg19) VCF-style: chr19-3908336-C-A.
Identifiers: ClinVar variation 735386 (VCV000735386.8), dbSNP rs112563476, ClinGen allele CA9087262.